The following is an entry in ClinVar:

ClinVar aggregate classification (germline): Uncertain significance (1 of 4 stars; one submission).

Conditions:
Pitt-Hopkins-like syndrome 2 (PTHSL2). Identifiers: Orphanet 221150, Orphanet 600663, MedGen C3280479, MONDO:0013690, OMIM 614325.

Submission:

Labcorp Genetics (formerly Invitae), Labcorp
Classification: Uncertain significance for Pitt-Hopkins-like syndrome 2. Last evaluated: 2022-03-06. Review status: criteria provided, single submitter. Criteria: Invitae Variant Classification Sherloc (09022015). Collection method: clinical testing. Allele origin: germline.
Comment: In summary, the available evidence is currently insufficient to determine the role of this variant in disease. Therefore, it has been classified as a Variant of Uncertain Significance. Experimental studies and prediction algorithms are not available or were not evaluated, and the functional significance of this variant is currently unknown. This variant has not been reported in the literature in individuals affected with NRXN1-related conditions. This variant results in a copy number gain of the genomic region encompassing exon(s) 2-6 of the NRXN1 gene. This region includes the initiator codon of the gene. This copy number gain extends beyond the assayed region for this gene and therefore may encompass additional genes. As the precise location of this event is unknown, it may be in tandem or it may be located elsewhere in the genome.

NC_000002.11:g.(?_51148987)_(51255411_?)dup

Gene: NRXN1 (neurexin 1; minus strand). Cytogenetic location: 2p16.3.
Variant type: Duplication.
Identifiers: ClinVar variation 2423812 (VCV002423812.4).